The following is an entry in ClinVar:

ClinVar aggregate classification (germline): Uncertain significance. Review status: criteria provided, multiple submitters, no conflicts (2 of 4 stars). 2 submissions from 2 submitters: Uncertain significance (2). Last evaluated 2025-09-04.

Conditions:
Inborn genetic diseases. Identifiers: MedGen C0950123, MeSH D030342.

Allele frequency attached by ClinVar (database versions not stated): gnomAD 0.00001; gnomAD exomes 0.00001 and 0.00002; TOPMed 0.00002.
gnomAD v4.1: 12 of 1,611,004 alleles (0.00074%); highest among the groups gnomAD compares: Admixed American, 0.005%; no homozygotes.

Submissions (2):

Labcorp Genetics (formerly Invitae), Labcorp
Classification: Uncertain significance. Last evaluated: 2025-09-04. Review status: criteria provided, single submitter. Criteria: Invitae Variant Classification Sherloc (09022015). Collection method: clinical testing. Allele origin: germline.
Comment: This sequence change replaces isoleucine, which is neutral and non-polar, with threonine, which is neutral and polar, at codon 540 of the GFM2 protein (p.Ile540Thr). This variant is present in population databases (no rsID available, gnomAD 0.004%). This variant has not been reported in the literature in individuals affected with GFM2-related conditions. ClinVar contains an entry for this variant (Variation ID: 1440294). Invitae Evidence Modeling of protein sequence and biophysical properties (such as structural, functional, and spatial information, amino acid conservation, physicochemical variation, residue mobility, and thermodynamic stability) has been performed for this missense variant. However, the output from this modeling did not meet the statistical confidence thresholds required to predict the impact of this variant on GFM2 protein function. In summary, the available evidence is currently insufficient to determine the role of this variant in disease. Therefore, it has been classified as a Variant of Uncertain Significance.

Ambry Genetics
Classification: Uncertain significance for Inborn genetic diseases. Last evaluated: 2024-10-23. Review status: criteria provided, single submitter. Criteria: Ambry Variant Classification Scheme 2023. Collection method: clinical testing. Allele origin: germline.

NM_032380.5(GFM2):c.1619T>C (p.Ile540Thr)

Gene: GFM2 (GTP dependent ribosome recycling factor mitochondrial 2; minus strand). Cytogenetic location: 5q13.3.
Variant type: single nucleotide variant.
Coding change: c.1619T>C on transcript NM_032380.5 (MANE Select); coding-DNA position 1619, T replaced by C.
Protein change: p.Ile540Thr; replaces isoleucine 540 with threonine.
Molecular consequence: missense variant.
Genome position (GRCh38, 1-based): chr5:74,730,367, A>G on the plus strand (T>C on the coding strand, the complement: GFM2 is on the minus strand). VCF-style: chr5-74730367-A-G. GRCh37 (hg19) VCF-style: chr5-74026192-A-G.
Other names: c.1715T>C, p.Ile572Thr (NM_001281302.2); c.1478T>C, p.Ile493Thr (NM_170691.3); c.1619T>C (NM_032380.3); short protein forms I493T, I572T, I540T.
Identifiers: ClinVar variation 1440294 (VCV001440294.7), dbSNP rs1330365833, ClinGen allele CA360078129.
Genomic context (GRCh38, chr5:74,730,367, plus strand): 5'-AGAGGCCCGAGATAGGTCTCCAGTCCATATTCCCTCTTGATTCGATCATGAATAATCTCT[A>G]TATGTAACTCCCCCATACCACACAGAACAGTCTGGTTACCAGAGGAATGAAATAAAAGAT-3'
Protein context (NP_115756.2, residues 530-550): TVLCGMGELH[Ile540Thr]EIIHDRIKRE